The following is an entry in ClinVar:

ClinVar aggregate classification (germline): Uncertain significance (1 of 4 stars; one submission).

Conditions:
Cardiovascular phenotype. Identifiers: MedGen CN230736.

Submission:

Ambry Genetics
Classification: Uncertain significance for Cardiovascular phenotype. Last evaluated: 2025-12-16. Review status: criteria provided, single submitter. Criteria: Ambry Variant Classification Scheme 2023. Collection method: clinical testing. Allele origin: germline.
Comment: The p.S80C variant (also known as c.239C>G), located in coding exon 1 of the ALPK3 gene, results from a C to G substitution at nucleotide position 239. The serine at codon 80 is replaced by cysteine, an amino acid with dissimilar properties. This amino acid position is conserved. In addition, this alteration is predicted to be tolerated by in silico analysis. Based on the available evidence, the clinical significance of this variant remains unclear.

NM_020778.4:c.239C>G

Gene: ALPK3 (alpha kinase 3; plus strand).
Variant type: single nucleotide variant.
Identifiers: ClinVar variation 4841948 (VCV004841948.1).